The following is an entry in ClinVar:

ClinVar aggregate classification (germline): Uncertain significance (1 of 4 stars; one submission).

Allele frequency attached by ClinVar (database versions not stated): TOPMed below 0.00001; gnomAD exomes below 0.00001.
gnomAD v4.1: 1 of 1,613,310 alleles (0.000062%); highest among the groups gnomAD compares: African/African-American, 0.0013%; no homozygotes.

Submission:

GeneDx
Classification: Uncertain significance. Last evaluated: 2019-05-16. Review status: criteria provided, single submitter. Criteria: GeneDx Variant Classification Process June 2021. Collection method: clinical testing. Allele origin: germline. Affected: yes.
Comment: In silico analysis, which includes splice predictors and evolutionary conservation, supports a deleterious effect; Has not been previously published as pathogenic or benign to our knowledge; Variants in candidate genes are classified as variants of uncertain significance in accordance with ACMG guidelines (Richards et al., 2015)

NM_001348716.2(KDM6B):c.236+3G>C

Gene: KDM6B (lysine demethylase 6B; plus strand). Cytogenetic location: 17p13.1.
Variant type: single nucleotide variant.
Coding change: c.236+3G>C on transcript NM_001348716.2 (MANE Select); 3 bases into the intron after coding-DNA position 236, G replaced by C.
Molecular consequence: intron variant.
Genome position (GRCh38, 1-based): chr17:7,845,973, G>C. VCF-style: chr17-7845973-G-C. GRCh37 (hg19) VCF-style: chr17-7749291-G-C.
Other names: c.236+3G>C (NM_001080424.2).
Identifiers: ClinVar variation 1302914 (VCV001302914.2), dbSNP rs1181133730, ClinGen allele CA624866450.